The following is an entry in ClinVar:

NM_001743.6(CALM2):c.268T>C (p.Phe90Leu)

Gene: CALM2 (calmodulin 2; minus strand). Cytogenetic location: 2p21.
Variant type: single nucleotide variant.
Coding change: c.268T>C on transcript NM_001743.6 (MANE Select); coding-DNA position 268, T replaced by C.
Protein change: p.Phe90Leu; replaces phenylalanine 90 with leucine.
Molecular consequence: missense variant.
Genome position (GRCh38, 1-based): chr2:47,162,303, A>G on the plus strand (T>C on the coding strand, the complement: CALM2 is on the minus strand). VCF-style: chr2-47162303-A-G. GRCh37 (hg19) VCF-style: chr2-47389442-A-G.
Other names: c.412T>C, p.Phe138Leu (NM_001305624.1); c.160T>C, p.Phe54Leu (NM_001305625.2, NM_001305626.1); short protein forms F138L, F54L, F90L.
Identifiers: ClinVar variation 2734184 (VCV002734184.3), dbSNP rs2465708816, ClinGen allele CA346719361.

ClinVar aggregate classification (germline): Likely pathogenic (1 of 4 stars; one submission).

Conditions:
Long QT syndrome 1 (LQT1). Identifiers: Orphanet 101016, Orphanet 768, MedGen C4551647, MONDO:0100316, OMIM 192500, MONDO:0008646.

Submission:

Labcorp Genetics (formerly Invitae), Labcorp
Classification: Likely pathogenic for Long QT syndrome 1. Last evaluated: 2024-05-22. Review status: criteria provided, single submitter. Criteria: Invitae Variant Classification Sherloc (09022015). Collection method: clinical testing. Allele origin: germline.
Comment: This sequence change replaces phenylalanine, which is neutral and non-polar, with leucine, which is neutral and non-polar, at codon 90 of the CALM2 protein (p.Phe90Leu). This variant is not present in population databases (gnomAD no frequency). This missense change has been observed in individual(s) with CALM2-related conditions (PMID: 27114410; Invitae). In at least one individual the variant was observed to be de novo. An algorithm developed to predict the effect of missense changes on protein structure and function (PolyPhen-2) suggests that this variant is likely to be tolerated. The CALM1, CALM2 and CALM3 genes code for three identical proteins of calmodulin that only differ in their promoter and untranslated regions (PMID: 11569915). The same variant c.268T>C (p.Phe90Leu) located in CALM1 has been determined to be pathogenic (PMID: 24076290, 27165696). This suggests that this residue is clinically significant, and that variants that disrupt this residue are likely to be disease-causing. In summary, the currently available evidence indicates that the variant is pathogenic, but additional data are needed to prove that conclusively. Therefore, this variant has been classified as Likely Pathogenic.

Literature cited by the submitters: PubMed 27114410; PubMed 11569915; PubMed 24076290; PubMed 27165696.